The following is an entry in ClinVar:

ClinVar aggregate classification (germline): Uncertain significance (1 of 4 stars; one submission).

Conditions:
Chuvash polycythemia. Also called: POLYCYTHEMIA, VHL-DEPENDENT. Identifiers: Orphanet 238557, MedGen C1837915, MONDO:0009892, OMIM 263400.
Von Hippel-Lindau syndrome (VHLS). Also called: Von Hippel-Lindau; von Hippel–Lindau syndrome; VHL syndrome. Identifiers: Orphanet 892, MedGen C0019562, MONDO:0008667, OMIM 193300. Disease mechanism: loss of function.

Submission:

Labcorp Genetics (formerly Invitae), Labcorp
Classification: Uncertain significance for Von Hippel-Lindau syndrome; Chuvash polycythemia. Last evaluated: 2025-03-25. Review status: criteria provided, single submitter. Criteria: Invitae Variant Classification Sherloc (09022015). Collection method: clinical testing. Allele origin: germline.
Comment: This sequence change falls in intron 1 of the VHL gene. It does not directly change the encoded amino acid sequence of the VHL protein. It affects a nucleotide within the consensus splice site. This variant is not present in population databases (gnomAD no frequency). This variant has not been reported in the literature in individuals affected with VHL-related conditions. Variants that disrupt the consensus splice site are a relatively common cause of aberrant splicing (PMID: 17576681, 9536098). Algorithms developed to predict the effect of sequence changes on RNA splicing suggest that this variant is not likely to affect RNA splicing. In summary, the available evidence is currently insufficient to determine the role of this variant in disease. Therefore, it has been classified as a Variant of Uncertain Significance.

Literature cited by the submitters: PubMed 17576681; PubMed 9536098.

NM_000551.4(VHL):c.340+6G>T

Gene: VHL (von Hippel-Lindau tumor suppressor; plus strand). Cytogenetic location: 3p25.3.
Variant type: single nucleotide variant.
Coding change: c.340+6G>T on transcript NM_000551.4 (MANE Select); 6 bases into the intron after coding-DNA position 340, G replaced by T.
Molecular consequence: intron variant.
Genome position (GRCh38, 1-based): chr3:10,142,193, G>T. VCF-style: chr3-10142193-G-T. GRCh37 (hg19) VCF-style: chr3-10183877-G-T.
Other names: c.340+6G>T (NM_001354723.2, NM_198156.3).
Identifiers: ClinVar variation 4784525 (VCV004784525.1).
Genomic context (GRCh38, chr3:10,142,193, plus strand): 5'-CAGCCCTACCCAACGCTGCCGCCTGGCACGGGCCGCCGCATCCACAGCTACCGAGGTACG[G>T]GCCCGGCGCTTAGGCCCGACCCAGCAGGGACGATAGCACGGTCTGAAGCCCCTCTACCGC-3'